The following is an entry in ClinVar:

ClinVar aggregate classification (germline): Uncertain significance (1 of 4 stars; one submission).

Conditions:
Long QT syndrome (LQTS). Identifiers: MedGen C0023976, MeSH D008133, MONDO:0002442. Disease mechanism: loss of function. Inheritance: Various modes of inheritance.

Submission:

Labcorp Genetics (formerly Invitae), Labcorp
Classification: Uncertain significance for Long QT syndrome. Last evaluated: 2024-09-05. Review status: criteria provided, single submitter. Criteria: Invitae Variant Classification Sherloc (09022015). Collection method: clinical testing. Allele origin: germline.
Comment: This sequence change replaces lysine, which is basic and polar, with glutamic acid, which is acidic and polar, at codon 20 of the CAV3 protein (p.Lys20Glu). This variant is not present in population databases (gnomAD no frequency). This variant has not been reported in the literature in individuals affected with CAV3-related conditions. ClinVar contains an entry for this variant (Variation ID: 1046299). An algorithm developed to predict the effect of missense changes on protein structure and function (PolyPhen-2) suggests that this variant is likely to be disruptive. In summary, the available evidence is currently insufficient to determine the role of this variant in disease. Therefore, it has been classified as a Variant of Uncertain Significance.

NM_033337.3(CAV3):c.58A>G (p.Lys20Glu)

Gene: CAV3 (caveolin 3; plus strand). Cytogenetic location: 3p25.3.
Variant type: single nucleotide variant.
Coding change: c.58A>G on transcript NM_033337.3 (MANE Select); coding-DNA position 58, A replaced by G.
Protein change: p.Lys20Glu; replaces lysine 20 with glutamic acid.
Molecular consequence: missense variant.
Genome position (GRCh38, 1-based): chr3:8,733,934, A>G. VCF-style: chr3-8733934-A-G. GRCh37 (hg19) VCF-style: chr3-8775620-A-G.
Other names: c.58A>G, p.Lys20Glu (NM_001234.5); short protein forms K20E.
Identifiers: ClinVar variation 1046299 (VCV001046299.5), dbSNP rs1707653132, ClinGen allele CA351661387.